The following is an entry in ClinVar:

ClinVar aggregate classification (germline): Pathogenic (1 of 4 stars; one submission).

Conditions:
Donnai-Barrow syndrome. Also called: DBS/FOAR SYNDROME; FACIOOCULOACOUSTICORENAL SYNDROME. Identifiers: Orphanet 2143, MedGen C1857277, MONDO:0009104, OMIM 222448.

Submission:

Myriad Genetics, Inc.
Classification: Pathogenic for Donnai-Barrow syndrome. Last evaluated: 2025-12-12. Review status: criteria provided, single submitter. Criteria: Myriad Autosomal Dominant, Autosomal Recessive and X-Linked Classification Criteria (2023). Collection method: clinical testing. Allele origin: unknown.
Comment: NM_004525.2(LRP2):c.7800delC(Y2601Mfs*29) is expected to be pathogenic in the context of Donnai-Barrow syndrome. This variant is predicted to lead to an abnormal or absent protein product due to the creation of a premature termination codon in LRP2, a gene where loss-of-function variants are known to be pathogenic. Please note: this variant was assessed in the context of healthy population screening.

NM_004525.3(LRP2):c.7800del (p.Tyr2601fs)

Gene: LRP2 (LDL receptor related protein 2; minus strand). Cytogenetic location: 2q31.1.
Variant type: Deletion.
Coding change: c.7800del on transcript NM_004525.3 (MANE Select); coding-DNA position 7800, one base deleted (C; older notation c.7800delC).
Protein change: p.Tyr2601fs; shifts the reading frame from tyrosine 2601.
Molecular consequence: frameshift variant.
Genome position (GRCh38, 1-based): chr2:169,204,187, G deleted on the plus strand (C on the coding strand, the reverse complement: LRP2 is on the minus strand). VCF-style (leftmost placement, unchanged base first): chr2-169204186-AG-A. GRCh37 (hg19) VCF-style: chr2-170060696-AG-A.
Other names: short protein forms Y2601fs.
Identifiers: ClinVar variation 5015310 (VCV005015310.1).